The following is an entry in ClinVar:

ClinVar aggregate classification (germline): Uncertain significance (1 of 4 stars; one submission).

Allele frequency attached by ClinVar (database versions not stated): gnomAD exomes below 0.00001; TOPMed below 0.00001; gnomAD 0.00001.
gnomAD v4.1: 2 of 1,609,484 alleles (0.00012%); highest among the groups gnomAD compares: Non-Finnish European, 0.00017%; no homozygotes.

Submission:

Labcorp Genetics (formerly Invitae), Labcorp
Classification: Uncertain significance. Last evaluated: 2022-12-25. Review status: criteria provided, single submitter. Criteria: Invitae Variant Classification Sherloc (09022015). Collection method: clinical testing. Allele origin: germline.
Comment: In summary, the available evidence is currently insufficient to determine the role of this variant in disease. Therefore, it has been classified as a Variant of Uncertain Significance. Algorithms developed to predict the effect of missense changes on protein structure and function are either unavailable or do not agree on the potential impact of this missense change (SIFT: "Not Available"; PolyPhen-2: "Possibly Damaging"; Align-GVGD: "Not Available"). This variant has not been reported in the literature in individuals affected with HYOU1-related conditions. This variant is not present in population databases (gnomAD no frequency). This sequence change replaces tyrosine, which is neutral and polar, with histidine, which is basic and polar, at codon 755 of the HYOU1 protein (p.Tyr755His).

NM_006389.5(HYOU1):c.2263T>C (p.Tyr755His)

Gene: HYOU1 (hypoxia up-regulated 1; minus strand). Cytogenetic location: 11q23.3.
Variant type: single nucleotide variant.
Coding change: c.2263T>C on transcript NM_006389.5 (MANE Select); coding-DNA position 2263, T replaced by C.
Protein change: p.Tyr755His; replaces tyrosine 755 with histidine.
Molecular consequence: missense variant.
Genome position (GRCh38, 1-based): chr11:119,048,361, A>G on the plus strand (T>C on the coding strand, the complement: HYOU1 is on the minus strand). VCF-style: chr11-119048361-A-G. GRCh37 (hg19) VCF-style: chr11-118919073-A-G.
Other names: c.2263T>C, p.Tyr755His (NM_001130991.3, NM_001411041.1); short protein forms Y755H.
Identifiers: ClinVar variation 3002219 (VCV003002219.3), dbSNP rs992983609, ClinGen allele CA229618662.
Genomic context (GRCh38, chr11:119,048,361, plus strand): 5'-GCTTCCCAGAGATCTCCTCACGCTGCTCCTCTGTGGACACTTCCTGGTACTCGGGCTGGT[A>G]CAGCTTGTCCTGGGGAGGGGGACATGTAAACACATGCACCCACAAGCCCAGAGGCAAGGC-3'
Protein context (NP_006380.1, residues 745-765): AFIFETQDKL[Tyr755His]QPEYQEVSTE